The following is an entry in ClinVar:

NM_020778.5(ALPK3):c.3058A>T (p.Asn1020Tyr)

Gene: ALPK3 (alpha kinase 3; plus strand). Cytogenetic location: 15q25.3.
Variant type: single nucleotide variant.
Coding change: c.3058A>T on transcript NM_020778.5 (MANE Select); coding-DNA position 3058, A replaced by T.
Protein change: p.Asn1020Tyr; replaces asparagine 1020 with tyrosine.
Molecular consequence: missense variant.
Genome position (GRCh38, 1-based): chr15:84,857,796, A>T. VCF-style: chr15-84857796-A-T. GRCh37 (hg19) VCF-style: chr15-85401027-A-T.
Other names: short protein forms N1020Y.
Identifiers: ClinVar variation 2045963 (VCV002045963.4), dbSNP rs770111579, ClinGen allele CA7709550.

ClinVar aggregate classification (germline): Uncertain significance (1 of 4 stars; one submission).

Allele frequency attached by ClinVar (database versions not stated): TOPMed 0.00001; ExAC 0.00003.
gnomAD v4.1: 6 of 1,611,578 alleles (0.00037%); highest among the groups gnomAD compares: Non-Finnish European, 0.00051%; no homozygotes.

Submission:

Labcorp Genetics (formerly Invitae), Labcorp
Classification: Uncertain significance. Last evaluated: 2022-11-12. Review status: criteria provided, single submitter. Criteria: Invitae Variant Classification Sherloc (09022015). Collection method: clinical testing. Allele origin: germline.
Comment: In summary, the available evidence is currently insufficient to determine the role of this variant in disease. Therefore, it has been classified as a Variant of Uncertain Significance. This sequence change replaces asparagine, which is neutral and polar, with tyrosine, which is neutral and polar, at codon 1222 of the ALPK3 protein (p.Asn1222Tyr). This variant is present in population databases (rs770111579, gnomAD 0.003%). This variant has not been reported in the literature in individuals affected with ALPK3-related conditions. Advanced modeling of protein sequence and biophysical properties (such as structural, functional, and spatial information, amino acid conservation, physicochemical variation, residue mobility, and thermodynamic stability) performed at Invitae indicates that this missense variant is expected to disrupt ALPK3 protein function.